The following is an entry in ClinVar:

NM_058004.4(PI4KA):c.1791C>A (p.Asn597Lys)

Gene: PI4KA (phosphatidylinositol 4-kinase alpha; minus strand). Cytogenetic location: 22q11.21.
Variant type: single nucleotide variant.
Coding change: c.1791C>A on transcript NM_058004.4 (MANE Select); coding-DNA position 1791, C replaced by A.
Protein change: p.Asn597Lys; replaces asparagine 597 with lysine.
Molecular consequence: missense variant.
Genome position (GRCh38, 1-based): chr22:20,799,700, G>T on the plus strand (C>A on the coding strand, the complement: PI4KA is on the minus strand). VCF-style: chr22-20799700-G-T. GRCh37 (hg19) VCF-style: chr22-21153988-G-T.
Other names: c.1791C>A, p.Asn597Lys (NM_001362862.2); c.1725C>A, p.Asn575Lys (NM_001362863.2); short protein forms N575K, N597K.
Identifiers: ClinVar variation 3765949 (VCV003765949.1).
Genomic context (GRCh38, chr22:20,799,700, plus strand): 5'-CTGCCTCTGAGAGACAGGAATAGGGGCGTACTTGTCGCTCTCCTGAGAGATGTAGAGCCG[G>T]TTGGACAGGCTGGCCAAGAACGCCTCCACAATCACTGGGTCCACCGTCAATCCAGCCTTC-3'
Protein context (NP_477352.3, residues 587-607): IVEAFLASLS[Asn597Lys]RLYISQESDK

ClinVar aggregate classification (germline): Uncertain significance (1 of 4 stars; one submission).

Submission:

GeneDx
Classification: Uncertain significance. Last evaluated: 2024-08-30. Review status: criteria provided, single submitter. Criteria: GeneDx Variant Classification Process June 2021. Collection method: clinical testing. Allele origin: germline. Affected: yes.
Comment: Not observed at significant frequency in large population cohorts (gnomAD); In silico analysis supports that this missense variant has a deleterious effect on protein structure/function; Has not been previously published as pathogenic or benign to our knowledge